The following is an entry in ClinVar:

NM_001353788.2(APBA2):c.1885C>T (p.Leu629=)

Gene: APBA2 (amyloid beta precursor protein binding family A member 2; plus strand). Cytogenetic location: 15q13.1.
Variant type: single nucleotide variant.
Coding change: c.1885C>T on transcript NM_001353788.2 (MANE Select); coding-DNA position 1885, C replaced by T.
Protein change: p.Leu629=; no amino-acid change (leucine 629 retained).
Molecular consequence: synonymous variant.
Genome position (GRCh38, 1-based): chr15:29,106,787, C>T. VCF-style: chr15-29106787-C-T. GRCh37 (hg19) VCF-style: chr15-29398990-C-T.
Other names: c.1849C>T, p.Leu617= (NM_001130414.1, NM_001353792.2, NM_001353793.2 and 1 more transcripts); c.1885C>T, p.Leu629= (NM_001353789.2, NM_001353790.2, NM_001353791.2 and 2 more transcripts); c.997C>T, p.Leu333= (NM_001353796.2); c.961C>T, p.Leu321= (NM_001353797.2).
Identifiers: ClinVar variation 786259 (VCV000786259.7), dbSNP rs76687371, ClinGen allele CA7445577.

ClinVar aggregate classification (germline): Benign. Review status: criteria provided, multiple submitters, no conflicts (2 of 4 stars). 3 submissions from 3 submitters: Benign (2). 1 of the submissions does not count toward it. Last evaluated 2019-12-31.

Conditions:
APBA2-related disorder. Also called: APBA2-related condition.

Allele frequency attached by ClinVar (database versions not stated): 1000 Genomes Project 0.01018; TOPMed 0.01149; gnomAD exomes 0.00264; ESP Exome Variant Server 0.01208; ExAC 0.00345; gnomAD 0.01067 and 0.01150; 1000 Genomes Project 30x 0.01031.
gnomAD v4.1: 3,092 of 1,612,928 alleles (0.19%); highest among the groups gnomAD compares: African/African-American, 3.6%; 54 homozygotes.

Submissions (3):

Labcorp Genetics (formerly Invitae), Labcorp
Classification: Benign. Last evaluated: 2019-12-31. Review status: criteria provided, single submitter. Criteria: Invitae Variant Classification Sherloc (09022015). Collection method: clinical testing. Allele origin: germline.

Breakthrough Genomics
Classification: Benign. Review status: criteria provided, single submitter. Criteria: ACMG Guidelines, 2015. Collection method: not provided. Allele origin: germline. Inheritance: Unknown mechanism. Affected: yes.

PreventionGenetics, part of Exact Sciences
Classification: Benign for APBA2-related condition. Last evaluated: 2019-02-18. Review status: no assertion criteria provided. Collection method: clinical testing. Allele origin: germline. Not counted in ClinVar's aggregate classification.
Comment: This variant is classified as benign based on ACMG/AMP sequence variant interpretation guidelines (Richards et al. 2015 PMID: 25741868, with internal and published modifications).